The following is an entry in ClinVar:

ClinVar aggregate classification (germline): Pathogenic. Review status: criteria provided, single submitter (1 of 4 stars). 2 submissions from 2 submitters: Pathogenic (1). 1 of the submissions does not count toward it. Last evaluated 2022-08-22.

Conditions:
Combined immunodeficiency due to LRBA deficiency. Also called: Common variable immunodeficiency 8, with autoimmunity. Identifiers: Orphanet 445018, MedGen C3553512, MONDO:0013863, OMIM 614700.

Submissions (2):

Labcorp Genetics (formerly Invitae), Labcorp
Classification: Pathogenic for Combined immunodeficiency due to LRBA deficiency. Last evaluated: 2022-08-22. Review status: criteria provided, single submitter. Criteria: Invitae Variant Classification Sherloc (09022015). Collection method: clinical testing. Allele origin: germline.
Comment: For these reasons, this variant has been classified as Pathogenic. ClinVar contains an entry for this variant (Variation ID: 828107). This variant has not been reported in the literature in individuals affected with LRBA-related conditions. This variant is not present in population databases (gnomAD no frequency). This sequence change creates a premature translational stop signal (p.Gln1026*) in the LRBA gene. It is expected to result in an absent or disrupted protein product. Loss-of-function variants in LRBA are known to be pathogenic (PMID: 26206937, 26768763).

Biochemical Molecular Genetic Laboratory, King Abdulaziz Medical City
Classification: Likely pathogenic for Combined immunodeficiency due to LRBA deficiency. Last evaluated: 2020-02-05. Review status: no assertion criteria provided. Collection method: clinical testing. Allele origin: germline. Affected: yes. Not counted in ClinVar's aggregate classification.

Literature cited by the submitters: PubMed 26206937 (cited by Labcorp Genetics (formerly Invitae), Labcorp); PubMed 26768763 (cited by Labcorp Genetics (formerly Invitae), Labcorp).

NM_001364905.1(LRBA):c.3076C>T (p.Gln1026Ter)

Gene: LRBA (LPS responsive beige-like anchor protein; minus strand). Cytogenetic location: 4q31.3.
Variant type: single nucleotide variant.
Coding change: c.3076C>T on transcript NM_001364905.1 (MANE Select); coding-DNA position 3076, C replaced by T.
Protein change: p.Gln1026Ter; replaces glutamine 1026 with a stop codon.
Molecular consequence: nonsense.
Genome position (GRCh38, 1-based): chr4:150,852,634, G>A on the plus strand (C>T on the coding strand, the complement: LRBA is on the minus strand). VCF-style: chr4-150852634-G-A. GRCh37 (hg19) VCF-style: chr4-151773786-G-A.
Other names: c.3076C>T, p.Gln1026Ter (NM_001199282.3, NM_001367550.1, NM_006726.5); short protein forms Q1026*.
Identifiers: ClinVar variation 828107 (VCV000828107.5), dbSNP rs1578999313, ClinGen allele CA358459648.